The following is an entry in ClinVar:

NM_017636.4(TRPM4):c.1654G>A (p.Ala552Thr)

Gene: TRPM4 (transient receptor potential cation channel subfamily M member 4; plus strand). Cytogenetic location: 19q13.33.
Variant type: single nucleotide variant.
Coding change: c.1654G>A on transcript NM_017636.4 (MANE Select); coding-DNA position 1654, G replaced by A.
Protein change: p.Ala552Thr; replaces alanine 552 with threonine.
Molecular consequence: missense variant.
Genome position (GRCh38, 1-based): chr19:49,183,123, G>A. VCF-style: chr19-49183123-G-A. GRCh37 (hg19) VCF-style: chr19-49686380-G-A.
Other names: c.1654G>A (NM_017636.3); c.1654G>A, p.Ala552Thr (NM_001195227.2); c.1309G>A, p.Ala437Thr (NM_001321281.2); c.46G>A, p.Ala16Thr (NM_001321282.2); c.1132G>A, p.Ala378Thr (NM_001321283.2); c.592G>A, p.Ala198Thr (NM_001321285.2); short protein forms A198T, A552T, A16T, A378T, A437T.
Identifiers: ClinVar variation 2197835 (VCV002197835.7), dbSNP rs373981638, ClinGen allele CA9569274.
Genomic context (GRCh38, chr19:49,183,123, plus strand): 5'-TCCTTTTGCTGGCAGATGTATCTGCTCTCGGACAAGGCCACCTCGCCGCTCTCGCTGGAT[G>A]CTGGCCTCGGGCAGGCCCCCTGGAGCGACCTGCTTCTTTGGGCACTGTTGCTGAACAGGG-3'
Protein context (NP_060106.2, residues 542-562): DKATSPLSLD[Ala552Thr]GLGQAPWSDL

ClinVar aggregate classification (germline): Uncertain significance. Review status: criteria provided, multiple submitters, no conflicts (2 of 4 stars). 2 submissions from 2 submitters: Uncertain significance (2). Last evaluated 2025-08-18.

Conditions:
Progressive familial heart block type IB (PFHB1B). Identifiers: Orphanet 871, MedGen C1970298, MONDO:0011474, OMIM 604559.
Cardiovascular phenotype. Identifiers: MedGen CN230736.

Allele frequency attached by ClinVar (database versions not stated): gnomAD exomes below 0.00001; TOPMed below 0.00001; ExAC 0.00001; gnomAD 0.00001; ESP Exome Variant Server 0.00008.
gnomAD v4.1: 2 of 1,613,728 alleles (0.00012%); highest among the groups gnomAD compares: Non-Finnish European, 0.00017%; no homozygotes.

Submissions (2):

Labcorp Genetics (formerly Invitae), Labcorp
Classification: Uncertain significance for Progressive familial heart block type IB. Last evaluated: 2025-08-18. Review status: criteria provided, single submitter. Criteria: Invitae Variant Classification Sherloc (09022015). Collection method: clinical testing. Allele origin: germline.
Comment: This sequence change replaces alanine, which is neutral and non-polar, with threonine, which is neutral and polar, at codon 552 of the TRPM4 protein (p.Ala552Thr). This variant is present in population databases (rs373981638, gnomAD 0.0009%). This variant has not been reported in the literature in individuals affected with TRPM4-related conditions. ClinVar contains an entry for this variant (Variation ID: 2197835). An algorithm developed to predict the effect of missense changes on protein structure and function outputs the following: PolyPhen-2: "Benign". The threonine amino acid residue is found in multiple mammalian species, which suggests that this missense change does not adversely affect protein function. In summary, the available evidence is currently insufficient to determine the role of this variant in disease. Therefore, it has been classified as a Variant of Uncertain Significance.

Ambry Genetics
Classification: Uncertain significance for Cardiovascular phenotype. Last evaluated: 2025-01-22. Review status: criteria provided, single submitter. Criteria: Ambry Variant Classification Scheme 2023. Collection method: clinical testing. Allele origin: germline.